The following is an entry in ClinVar:

NM_003859.3(DPM1):c.669T>C (p.Thr223=)

Genes: ADNP-AS1 (ADNP antisense RNA 1; plus strand), DPM1 (dolichyl-phosphate mannosyltransferase subunit 1, catalytic; minus strand). Cytogenetic location: 20q13.13.
Variant type: single nucleotide variant.
Coding change: c.669T>C on transcript NM_003859.3 (MANE Select); coding-DNA position 669, T replaced by C.
Protein change: p.Thr223=; no amino-acid change (threonine 223 retained).
Molecular consequence: synonymous variant. On other transcripts: non-coding transcript variant (1).
Genome position (GRCh38, 1-based): chr20:50,936,157, A>G on the plus strand (T>C on the coding strand, the complement: DPM1 is on the minus strand). VCF-style: chr20-50936157-A-G. GRCh37 (hg19) VCF-style: chr20-49552694-A-G.
Other names: c.774T>C, p.Thr258= (NM_001317034.1); c.750T>C, p.Thr250= (NM_001317035.1); c.600T>C, p.Thr200= (NM_001317036.1).
Identifiers: ClinVar variation 728418 (VCV000728418.15), dbSNP rs561078570, ClinGen allele CA315296344.

ClinVar aggregate classification (germline): Likely benign. Review status: criteria provided, multiple submitters, no conflicts (2 of 4 stars). 4 submissions from 4 submitters: Likely benign (4). Last evaluated 2026-07-01.

Conditions:
Congenital disorder of glycosylation type 1E (CDG1E). Also called: CDG Ie; CONGENITAL DISORDER OF GLYCOSYLATION, TYPE Ie. Identifiers: Orphanet 79322, MedGen C1837396, MONDO:0012123, OMIM 608799.

Allele frequency attached by ClinVar (database versions not stated): gnomAD exomes below 0.00001 and 0.00003; gnomAD 0.00001; TOPMed 0.00001; 1000 Genomes Project 30x 0.00016; 1000 Genomes Project 0.00020.
gnomAD v4.1: 16 of 1,610,736 alleles (0.00099%); highest among the groups gnomAD compares: Admixed American, 0.027%; no homozygotes.

Submissions (4):

CeGaT Center for Human Genetics Tuebingen
Classification: Likely benign. Last evaluated: 2026-07-01. Review status: criteria provided, single submitter. Criteria: CeGaT Center For Human Genetics Tuebingen Variant Classification Criteria Version 2. Collection method: clinical testing. Allele origin: germline. Affected: yes. Observed: 1 variant allele.
Comment: DPM1: BP4, BP7

Labcorp Genetics (formerly Invitae), Labcorp
Classification: Likely benign for Congenital disorder of glycosylation type 1E. Last evaluated: 2025-06-12. Review status: criteria provided, single submitter. Criteria: Invitae Variant Classification Sherloc (09022015). Collection method: clinical testing. Allele origin: germline.

Blueprint Genetics
Classification: Likely benign. Last evaluated: 2021-09-24. Review status: criteria provided, single submitter. Criteria: ACMG Guidelines, 2015. Collection method: clinical testing. Allele origin: germline.

GeneDx
Classification: Likely benign. Last evaluated: 2019-10-29. Review status: criteria provided, single submitter. Criteria: GeneDx Variant Classification Process June 2021. Collection method: clinical testing. Allele origin: germline. Affected: yes.